The following is an entry in ClinVar:

NM_001429.4(EP300):c.5711A>C (p.Gln1904Pro)

Gene: EP300 (EP300 lysine acetyltransferase; plus strand). Cytogenetic location: 22q13.2.
Variant type: single nucleotide variant.
Coding change: c.5711A>C on transcript NM_001429.4 (MANE Select); coding-DNA position 5711, A replaced by C.
Protein change: p.Gln1904Pro; replaces glutamine 1904 with proline.
Molecular consequence: missense variant.
Genome position (GRCh38, 1-based): chr22:41,177,422, A>C. VCF-style: chr22-41177422-A-C. GRCh37 (hg19) VCF-style: chr22-41573426-A-C.
Other names: c.5633A>C, p.Gln1878Pro (NM_001362843.2); short protein forms Q1904P, Q1878P.
Identifiers: ClinVar variation 287072 (VCV000287072.41), dbSNP rs140187237, ClinGen allele CA10253695.

ClinVar aggregate classification (germline): Conflicting classifications of pathogenicity. Review status: criteria provided, conflicting classifications (1 of 4 stars). 8 submissions from 8 submitters: Uncertain significance (2); Likely benign (4). 2 of the submissions do not count toward it. Last evaluated 2025-12-09.

Conditions:
EP300-related disorder. Also called: EP300-related disorders; EP300-related condition.
Rubinstein-Taybi syndrome due to EP300 haploinsufficiency. Also called: EP300-Related Rubinstein-Taybi Syndrome; RUBINSTEIN-TAYBI SYNDROME 2. Identifiers: Orphanet 353284, Orphanet 783, MedGen C3150941, MONDO:0013364, OMIM 613684.
Intellectual disability. Also called: Intellectual functioning disability; intellectual disabilities; Intellectual developmental disorder. Identifiers: MedGen C3714756, MeSH D008607, MONDO:0001071, HP:0001249.

Allele frequency attached by ClinVar (database versions not stated): gnomAD 0.00015 and 0.00016; TOPMed 0.00015; gnomAD exomes 0.00016; ExAC 0.00021.
gnomAD v4.1: 341 of 1,614,146 alleles (0.021%); highest among the groups gnomAD compares: Non-Finnish European, 0.027%; no homozygotes.

Submissions (8):

Labcorp Genetics (formerly Invitae), Labcorp
Classification: Likely benign for Rubinstein-Taybi syndrome due to EP300 haploinsufficiency. Last evaluated: 2025-12-09. Review status: criteria provided, single submitter. Criteria: Invitae Variant Classification Sherloc (09022015). Collection method: clinical testing. Allele origin: germline.

Laboratory of Genetics, Children's Clinical University Hospital Latvia
Classification: Likely benign. Last evaluated: 2025-02-16. Review status: criteria provided, single submitter. Criteria: ACMG Guidelines, 2015. Collection method: clinical testing. Allele origin: germline. Affected: yes.

Blueprint Genetics
Classification: Likely benign. Last evaluated: 2024-11-13. Review status: criteria provided, single submitter. Criteria: ACMG Guidelines, 2015. Collection method: clinical testing. Allele origin: germline.

CeGaT Center for Human Genetics Tuebingen
Classification: Likely benign. Last evaluated: 2024-03-01. Review status: criteria provided, single submitter. Criteria: CeGaT Center For Human Genetics Tuebingen Variant Classification Criteria Version 2. Collection method: clinical testing. Allele origin: germline. Affected: yes. Observed: 2 variant alleles.
Comment: EP300: BS1:Supporting

Institute of Human Genetics, University of Leipzig Medical Center
Classification: Uncertain significance for Rubinstein-Taybi syndrome due to EP300 haploinsufficiency. Last evaluated: 2020-01-30. Review status: criteria provided, single submitter. Criteria: ACMG Guidelines, 2015. Collection method: clinical testing. Allele origin: germline. Affected: yes. Observed: 1 variant allele.

Eurofins Ntd Llc (ga)
Classification: Uncertain significance. Last evaluated: 2016-03-24. Review status: criteria provided, single submitter. Criteria: EGL Classification Definitions 2015. Collection method: clinical testing. Allele origin: germline. Observed: 2 variant alleles, 2 heterozygotes.

PreventionGenetics, part of Exact Sciences
Classification: Likely benign for EP300-related condition. Last evaluated: 2023-03-27. Review status: no assertion criteria provided. Collection method: clinical testing. Allele origin: germline. Not counted in ClinVar's aggregate classification.
Comment: This variant is classified as likely benign based on ACMG/AMP sequence variant interpretation guidelines (Richards et al. 2015 PMID: 25741868, with internal and published modifications).

Centre de Biologie Pathologie Génétique, Centre Hospitalier Universitaire de Lille
Classification: Likely benign for Intellectual disability. Last evaluated: 2019-01-01. Review status: no assertion criteria provided. Collection method: clinical testing. Allele origin: inherited. Affected: yes. Not counted in ClinVar's aggregate classification.